The following is an entry in ClinVar:

ClinVar aggregate classification (germline): Uncertain significance. Review status: criteria provided, multiple submitters, no conflicts (2 of 4 stars). 3 submissions from 3 submitters: Uncertain significance (3). Last evaluated 2025-12-08.

Conditions:
DICER1-related tumor predisposition. Also called: DICER1 syndrome; DICER1-related pleuropulmonary blastoma cancer predisposition syndrome. Identifiers: Orphanet 284343, MedGen C3839822, MONDO:0100216.
Global developmental delay - lung cysts - overgrowth - Wilms tumor syndrome. Also called: GLOBAL DEVELOPMENTAL DELAY, LUNG CYSTS, OVERGROWTH, AND WILMS TUMOR; GLOW Syndrome. Identifiers: Orphanet 404476, MedGen C4748924, MONDO:0018445, OMIM 618272.
Hereditary cancer-predisposing syndrome. Also called: Neoplastic Syndromes, Hereditary; Hereditary neoplastic syndrome; Hereditary Cancer Syndrome; Tumor predisposition. Identifiers: Orphanet 140162, MedGen C0027672, MeSH D009386, MONDO:0015356.

Allele frequency attached by ClinVar (database versions not stated): gnomAD 0.00001; gnomAD exomes 0.00001.

Submissions (3):

Labcorp Genetics (formerly Invitae), Labcorp
Classification: Uncertain significance for DICER1-related tumor predisposition. Last evaluated: 2025-12-08. Review status: criteria provided, single submitter. Criteria: Invitae Variant Classification Sherloc (09022015). Collection method: clinical testing. Allele origin: germline.
Comment: This sequence change replaces methionine, which is neutral and non-polar, with valine, which is neutral and non-polar, at codon 1456 of the DICER1 protein (p.Met1456Val). This variant is not present in population databases (gnomAD no frequency). This variant has not been reported in the literature in individuals affected with DICER1-related conditions. ClinVar contains an entry for this variant (Variation ID: 654992). Invitae Evidence Modeling of protein sequence and biophysical properties (such as structural, functional, and spatial information, amino acid conservation, physicochemical variation, residue mobility, and thermodynamic stability) indicates that this missense variant is not expected to disrupt DICER1 protein function with a negative predictive value of 95%. In summary, the available evidence is currently insufficient to determine the role of this variant in disease. Therefore, it has been classified as a Variant of Uncertain Significance.

Ambry Genetics
Classification: Uncertain significance for Hereditary cancer-predisposing syndrome. Last evaluated: 2025-08-21. Review status: criteria provided, single submitter. Criteria: Ambry Variant Classification Scheme 2023. Collection method: clinical testing. Allele origin: germline.
Comment: The p.M1456V variant (also known as c.4366A>G), located in coding exon 22 of the DICER1 gene, results from an A to G substitution at nucleotide position 4366. The methionine at codon 1456 is replaced by valine, an amino acid with highly similar properties. This amino acid position is highly conserved in available vertebrate species. In addition, this alteration is predicted to be deleterious by in silico analysis. Based on the available evidence, the clinical significance of this variant remains unclear.

Baylor Genetics
Classification: Uncertain significance for Global developmental delay - lung cysts - overgrowth - Wilms tumor syndrome. Last evaluated: 2023-11-21. Review status: criteria provided, single submitter. Criteria: ACMG Guidelines, 2015. Collection method: clinical testing. Allele origin: unknown.

NM_177438.3(DICER1):c.4366A>G (p.Met1456Val)

Gene: DICER1 (dicer 1, ribonuclease III; minus strand). Cytogenetic location: 14q32.13.
Variant type: single nucleotide variant.
Coding change: c.4366A>G on transcript NM_177438.3 (MANE Select); coding-DNA position 4366, A replaced by G.
Protein change: p.Met1456Val; replaces methionine 1456 with valine.
Molecular consequence: missense variant.
Genome position (GRCh38, 1-based): chr14:95,096,554, T>C on the plus strand (A>G on the coding strand, the complement: DICER1 is on the minus strand). VCF-style: chr14-95096554-T-C. GRCh37 (hg19) VCF-style: chr14-95562891-T-C.
Other names: c.4366A>G, p.Met1456Val (NM_001195573.1, NM_001271282.3, NM_001291628.2 and 1 more transcripts); short protein forms M1456V.
Identifiers: ClinVar variation 654992 (VCV000654992.14), dbSNP rs1595341918, ClinGen allele CA390869033.